The following is an entry in ClinVar:

ClinVar aggregate classification (germline): Uncertain significance (1 of 4 stars; one submission).

Conditions:
Primary ciliary dyskinesia. Also called: Ciliary dyskinesia. Identifiers: Orphanet 244, MedGen C0008780, MONDO:0016575, HP:0012265.

Allele frequency attached by ClinVar (database versions not stated): TOPMed below 0.00001.

Submission:

Ambry Genetics
Classification: Uncertain significance for Primary ciliary dyskinesia. Last evaluated: 2015-08-07. Review status: criteria provided, single submitter. Criteria: Ambry Variant Classification Scheme 2023. Collection method: clinical testing. Allele origin: germline.
Comment: The p.R203K variant (also known as c.608G>A), located in coding exon 3 of the DNAH11 gene, results from a G to A substitution at nucleotide position 608. The arginine at codon 203 is replaced by lysine, an amino acid with highly similar properties. This variant was not reported in population based cohorts in the following databases: Database of Single Nucleotide Polymorphisms (dbSNP), NHLBI Exome Sequencing Project (ESP), and 1000 Genomes Project. In the ESP, this variant was not observed in 5923 samples (11846 alleles) with coverage at this position. This amino acid position is not well conserved in available vertebrate species and K is the reference allele in several other species. In addition, this alteration is predicted to be benign and tolerated by PolyPhen and SIFT in silico analyses, respectively. Since supporting evidence is limited at this time, the clinical significance of this variant remains unclear.

NM_001277115.2(DNAH11):c.608G>A (p.Arg203Lys)

Gene: DNAH11 (dynein axonemal heavy chain 11; plus strand). Cytogenetic location: 7p15.3.
Variant type: single nucleotide variant.
Coding change: c.608G>A on transcript NM_001277115.2 (MANE Select); coding-DNA position 608, G replaced by A.
Protein change: p.Arg203Lys; replaces arginine 203 with lysine.
Molecular consequence: missense variant.
Genome position (GRCh38, 1-based): chr7:21,558,914, G>A. VCF-style: chr7-21558914-G-A. GRCh37 (hg19) VCF-style: chr7-21598532-G-A.
Other names: c.608G>A, p.Arg203Lys (NM_003777.3); short protein forms R203K.
Identifiers: ClinVar variation 1751501 (VCV001751501.2), dbSNP rs1783328562, ClinGen allele CA366932500.